The following is an entry in ClinVar:

ClinVar aggregate classification (germline): Uncertain significance (1 of 4 stars; one submission).

Conditions:
Combined immunodeficiency due to ZAP70 deficiency (IMD48). Also called: Immunodeficiency 48; ZAP70 Deficiency. Identifiers: Orphanet 911, MedGen C2931299, MONDO:0010023, OMIM 269840.

Allele frequency attached by ClinVar (database versions not stated): gnomAD exomes below 0.00001.
gnomAD v4.1: 1 of 1,613,680 alleles (0.000062%); highest among the groups gnomAD compares: Non-Finnish European, 0.000085%; no homozygotes.

Submission:

Labcorp Genetics (formerly Invitae), Labcorp
Classification: Uncertain significance for Combined immunodeficiency due to ZAP70 deficiency. Last evaluated: 2024-07-22. Review status: criteria provided, single submitter. Criteria: Invitae Variant Classification Sherloc (09022015). Collection method: clinical testing. Allele origin: germline.
Comment: This sequence change replaces glycine, which is neutral and non-polar, with arginine, which is basic and polar, at codon 291 of the ZAP70 protein (p.Gly291Arg). This variant is not present in population databases (gnomAD no frequency). This variant has not been reported in the literature in individuals affected with ZAP70-related conditions. ClinVar contains an entry for this variant (Variation ID: 2008600). An algorithm developed to predict the effect of missense changes on protein structure and function (PolyPhen-2) suggests that this variant is likely to be disruptive. Algorithms developed to predict the effect of sequence changes on RNA splicing suggest that this variant may disrupt the consensus splice site. In summary, the available evidence is currently insufficient to determine the role of this variant in disease. Therefore, it has been classified as a Variant of Uncertain Significance.

NM_001079.4(ZAP70):c.871G>A (p.Gly291Arg)

Gene: ZAP70 (zeta chain of T cell receptor associated protein kinase 70; plus strand). Cytogenetic location: 2q11.2.
Variant type: single nucleotide variant.
Coding change: c.871G>A on transcript NM_001079.4 (MANE Select); coding-DNA position 871, G replaced by A.
Protein change: p.Gly291Arg; replaces glycine 291 with arginine.
Molecular consequence: missense variant. On other transcripts: 5 prime UTR variant (1).
Genome position (GRCh38, 1-based): chr2:97,733,577, G>A. VCF-style: chr2-97733577-G-A. GRCh37 (hg19) VCF-style: chr2-98350040-G-A.
Other names: c.871G>A, p.Gly291Arg (NM_001378594.1); c.-975G>A (NM_207519.2); short protein forms G291R.
Identifiers: ClinVar variation 2008600 (VCV002008600.4), dbSNP rs2482746332, ClinGen allele CA347799462.